The following is an entry in ClinVar:

NM_001172303.3(MASTL):c.1910G>A (p.Gly637Asp)

Gene: MASTL (microtubule associated serine/threonine kinase like; plus strand). Cytogenetic location: 10p12.1.
Variant type: single nucleotide variant.
Coding change: c.1910G>A on transcript NM_001172303.3 (MANE Select); coding-DNA position 1910, G replaced by A.
Protein change: p.Gly637Asp; replaces glycine 637 with aspartic acid.
Molecular consequence: missense variant. On other transcripts: non-coding transcript variant (1).
Genome position (GRCh38, 1-based): chr10:27,170,869, G>A. VCF-style: chr10-27170869-G-A. GRCh37 (hg19) VCF-style: chr10-27459798-G-A.
Other names: p.Gly637Asp; c.1910G>A, p.Gly637Asp (NM_001172304.3, NM_001320756.2, NM_001320757.2 and 1 more transcripts); c.1427G>A, p.Gly476Asp (NM_001372029.1, NM_001372030.1); short protein forms G476D, G637D.
Identifiers: ClinVar variation 4683497 (VCV004683497.1).
Genomic context (GRCh38, chr10:27,170,869, plus strand): 5'-AGACCTCACCAAAAGGTGTCGAGAACCCTGCTGTACAAGAGAGTAACCAAAAAATGTTAG[G>A]TCCTCCTTTGGAGGTGCTGAAAACGTTAGCCTCTAAAAGAAATGCTGTTGCTTTTCGAAG-3'
Protein context (NP_001165774.1, residues 627-647): AVQESNQKML[Gly637Asp]PPLEVLKTLA

ClinVar aggregate classification (germline): Likely benign (1 of 4 stars; one submission).

gnomAD v4.1: 27 of 1,613,990 alleles (0.0017%); highest among the groups gnomAD compares: Admixed American, 0.038%; no homozygotes.

Submission:

Mayo Clinic Laboratories, Mayo Clinic
Classification: Likely benign. Last evaluated: 2025-09-22. Review status: criteria provided, single submitter. Criteria: ACMG Guidelines, 2015. Collection method: clinical testing. Allele origin: germline. Observed: 1 variant allele.
Comment: BS1_supporting, BP4_strong